The following is an entry in ClinVar:

NC_000009.12:g.35658073del

Gene: RMRP (RNA component of mitochondrial RNA processing endoribonuclease; minus strand). Cytogenetic location: 9p13.3.
Variant type: Deletion.
Genome position: GRCh38 VCF-style: chr9-35658072-AT-A. GRCh37 (hg19) VCF-style: chr9-35658069-AT-A.
Identifiers: ClinVar variation 551791 (VCV000551791.4), dbSNP rs1554651600, ClinGen allele CA658821623.

ClinVar aggregate classification (germline): Uncertain significance. Review status: criteria provided, single submitter (1 of 4 stars). 2 submissions from 2 submitters: Uncertain significance (1). 1 of the submissions does not count toward it. Last evaluated 2023-10-26.

Conditions:
Metaphyseal chondrodysplasia, McKusick type (CHH). Also called: Cartilage-Hair Hypoplasia (CHH); Cartilage-hair hypoplasia. Identifiers: Orphanet 175, MedGen C0220748, MONDO:0009595, OMIM 250250.
Anauxetic dysplasia. Identifiers: Orphanet 93347, MedGen C1846796, MONDO:0011773.

Allele frequency attached by ClinVar (database versions not stated): gnomAD exomes below 0.00001; TOPMed 0.00001.

Submissions (2):

Labcorp Genetics (formerly Invitae), Labcorp
Classification: Uncertain significance for Anauxetic dysplasia. Last evaluated: 2023-10-26. Review status: criteria provided, single submitter. Criteria: Invitae Variant Classification Sherloc (09022015). Collection method: clinical testing. Allele origin: germline.
Comment: This variant occurs in the RMRP gene, which encodes an RNA molecule that does not result in a protein product. This variant is not present in population databases (gnomAD no frequency). This variant has not been reported in the literature in individuals affected with RMRP-related conditions. Experimental studies and prediction algorithms are not available or were not evaluated, and the functional significance of this variant is currently unknown. In summary, the available evidence is currently insufficient to determine the role of this variant in disease. Therefore, it has been classified as a Variant of Uncertain Significance.

Counsyl
Classification: Uncertain significance for Metaphyseal chondrodysplasia, McKusick type. Last evaluated: 2017-05-08. Review status: no assertion criteria provided. Collection method: clinical testing. Allele origin: unknown. Not counted in ClinVar's aggregate classification.